The following is an entry in ClinVar:

ClinVar aggregate classification (germline): Uncertain significance. Review status: criteria provided, multiple submitters, no conflicts (2 of 4 stars). 3 submissions from 3 submitters: Uncertain significance (3). Last evaluated 2025-01-17.

Conditions:
Fanconi anemia (FA). Also called: Fanconi's anemia. Identifiers: Orphanet 84, MedGen C0015625, MeSH D005199, MONDO:0019391.

Allele frequency attached by ClinVar (database versions not stated): TOPMed below 0.00001; ExAC 0.00001; gnomAD exomes 0.00001.

Submissions (3):

Quest Diagnostics Nichols Institute San Juan Capistrano
Classification: Uncertain significance. Last evaluated: 2025-01-17. Review status: criteria provided, single submitter. Criteria: Quest Diagnostics criteria. Collection method: clinical testing. Allele origin: unknown.
Comment: The FANCM c.5230G>A (p.Glu1744Lys) variant has been reported in the published literature in breast cancer cases and a reportedly healthy individual in a large scale breast cancer association study (PMID: 33471991 (2021), see also LOVD, 36707629 (2023)). The frequency of this variant in the general population (Genome Aggregation Database) is uninformative in the assessment of its pathogenicity. Analysis of this variant using bioinformatics tools for the prediction of the effect of amino acid changes on protein structure and function yielded predictions that this variant is benign. Based on the available information, we are unable to determine the clinical significance of this variant.

GeneDx
Classification: Uncertain significance. Last evaluated: 2024-09-23. Review status: criteria provided, single submitter. Criteria: GeneDx Variant Classification Process June 2021. Collection method: clinical testing. Allele origin: germline. Affected: yes.
Comment: Not observed at significant frequency in large population cohorts (gnomAD); In silico analysis indicates that this missense variant does not alter protein structure/function; Has not been previously published as pathogenic or benign to our knowledge; This variant is associated with the following publications: (PMID: 27713419, 36497424)

Labcorp Genetics (formerly Invitae), Labcorp
Classification: Uncertain significance for Fanconi anemia. Last evaluated: 2024-07-19. Review status: criteria provided, single submitter. Criteria: Invitae Variant Classification Sherloc (09022015). Collection method: clinical testing. Allele origin: germline.
Comment: This sequence change replaces glutamic acid, which is acidic and polar, with lysine, which is basic and polar, at codon 1744 of the FANCM protein (p.Glu1744Lys). This variant is present in population databases (rs776474104, gnomAD 0.003%). This variant has not been reported in the literature in individuals affected with FANCM-related conditions. ClinVar contains an entry for this variant (Variation ID: 952226). An algorithm developed to predict the effect of missense changes on protein structure and function (PolyPhen-2) suggests that this variant¬†is likely to be tolerated. In summary, the available evidence is currently insufficient to determine the role of this variant in disease. Therefore, it has been classified as a Variant of Uncertain Significance.

Literature cited by the submitters: PubMed 36707629 (cited by Quest Diagnostics Nichols Institute San Juan Capistrano); PubMed 33471991 (cited by Quest Diagnostics Nichols Institute San Juan Capistrano).

NM_020937.4(FANCM):c.5230G>A (p.Glu1744Lys)

Gene: FANCM (FA complementation group M; plus strand). Cytogenetic location: 14q21.2.
Variant type: single nucleotide variant.
Coding change: c.5230G>A on transcript NM_020937.4 (MANE Select); coding-DNA position 5230, G replaced by A.
Protein change: p.Glu1744Lys; replaces glutamic acid 1744 with lysine.
Molecular consequence: missense variant.
Genome position (GRCh38, 1-based): chr14:45,189,252, G>A. VCF-style: chr14-45189252-G-A. GRCh37 (hg19) VCF-style: chr14-45658455-G-A.
Other names: c.5230G>A (NM_020937.3); c.5152G>A, p.Glu1718Lys (NM_001308133.2); short protein forms E1718K, E1744K.
Identifiers: ClinVar variation 952226 (VCV000952226.10), dbSNP rs776474104, ClinGen allele CA7169937.
Genomic context (GRCh38, chr14:45,189,252, plus strand): 5'-GTTAATCCATTAGCAAAGCAGAGCAAACAGACATCGCTGAATTTAAAGGATACAATTTCC[G>A]AAGTCTCAGACTTCAAACCTCAGAATCATAATGAAGTCCAGTCTACCACACCACCCTTCA-3'
Protein context (NP_065988.1, residues 1734-1754): TSLNLKDTIS[Glu1744Lys]VSDFKPQNHN